The following is an entry in ClinVar:

NM_000059.4(BRCA2):c.7697dup (p.Asp2566fs)

Gene: BRCA2 (BRCA2 DNA repair associated; plus strand). Cytogenetic location: 13q13.1.
Variant type: Duplication.
Coding change: c.7697dup on transcript NM_000059.4 (MANE Select); coding-DNA position 7697, one base duplicated (A; older notation c.7697dupA).
Protein change: p.Asp2566fs; shifts the reading frame from aspartic acid 2566.
Molecular consequence: frameshift variant.
Genome position (GRCh38, 1-based): chr13:32,357,821, A duplicated. VCF-style (leftmost placement, unchanged base first): chr13-32357820-G-GA. GRCh37 (hg19) VCF-style: chr13-32931957-G-GA.
Other names: c.7697dupA (NM_000059.3); short protein forms D2566fs.
Identifiers: ClinVar variation 52390 (VCV000052390.9), dbSNP rs397507934, ClinGen allele CA025236.

ClinVar aggregate classification (germline): Pathogenic. Review status: reviewed by expert panel (3 of 4 stars). 2 submissions from 2 submitters: Pathogenic (1). 1 of the submissions does not count toward it. Last evaluated 2016-09-08.

Conditions:
Hereditary breast ovarian cancer syndrome. Also called: Hereditary breast and ovarian cancer syndrome; Hereditary breast and ovarian cancer; Hereditary breast and ovarian cancer syndrome (HBOC); Breast and ovarian cancer; Hereditary breast and/or ovarian cancer syndrome; BRCA1- and BRCA2-Associated Hereditary Breast and Ovarian Cancer. Identifiers: Orphanet 145, MedGen C0677776, MeSH D061325, MONDO:0003582. Disease mechanism: loss of function.
Breast-ovarian cancer, familial, susceptibility to, 2 (BROVCA2). Also called: BRCA2 Hereditary Breast and Ovarian Cancer. Identifiers: Orphanet 145, MedGen C2675520, MONDO:0012933, OMIM 612555. Disease mechanism: loss of function.

Allele frequency attached by ClinVar (database versions not stated): gnomAD exomes below 0.00001; ExAC 0.00001; gnomAD 0.00001; 1000 Genomes Project 30x 0.00031.

Submissions (2):

Evidence-based Network for the Interpretation of Germline Mutant Alleles (ENIGMA)
Classification: Pathogenic for Breast-ovarian cancer, familial, susceptibility to, 2. Last evaluated: 2016-09-08. Review status: reviewed by expert panel. Criteria: ENIGMA BRCA1/2 Classification Criteria (2015). Collection method: curation. Allele origin: germline.
Comment: Variant allele predicted to encode a truncated non-functional protein.

Labcorp Genetics (formerly Invitae), Labcorp
Classification: Pathogenic for Hereditary breast ovarian cancer syndrome. Last evaluated: 2022-01-19. Review status: criteria provided, single submitter. Criteria: Invitae Variant Classification Sherloc (09022015). Collection method: clinical testing. Allele origin: germline. Not counted in ClinVar's aggregate classification.
Comment: ClinVar contains an entry for this variant (Variation ID: 52390). This premature translational stop signal has been observed in individual(s) with breast cancer (PMID: 29263802). This variant is not present in population databases (gnomAD no frequency). This sequence change creates a premature translational stop signal (p.Asp2566Glufs*5) in the BRCA2 gene. It is expected to result in an absent or disrupted protein product. Loss-of-function variants in BRCA2 are known to be pathogenic (PMID: 20104584). For these reasons, this variant has been classified as Pathogenic.

Literature cited by the submitters: PubMed 29263802 (cited by Labcorp Genetics (formerly Invitae), Labcorp); PubMed 20104584 (cited by Labcorp Genetics (formerly Invitae), Labcorp).